The following is an entry in ClinVar:

ClinVar aggregate classification (germline): Pathogenic (1 of 4 stars; one submission).

Conditions:
Developmental and epileptic encephalopathy, 54. Also called: Epileptic encephalopathy, early infantile, 54; HNRNPU-Related Neurodevelopmental Disorder. Identifiers: MedGen C4479319, MONDO:0033363, OMIM 617391.

Submission:

Labcorp Genetics (formerly Invitae), Labcorp
Classification: Pathogenic for Developmental and epileptic encephalopathy, 54. Last evaluated: 2023-03-20. Review status: criteria provided, single submitter. Criteria: Invitae Variant Classification Sherloc (09022015). Collection method: clinical testing. Allele origin: germline.
Comment: For these reasons, this variant has been classified as Pathogenic. This variant has not been reported in the literature in individuals affected with HNRNPU-related conditions. This variant is not present in population databases (gnomAD no frequency). This sequence change creates a premature translational stop signal (p.Trp513*) in the HNRNPU gene. It is expected to result in an absent or disrupted protein product. Loss-of-function variants in HNRNPU are known to be pathogenic (PMID: 22678713, 28283832).

Literature cited by the submitters: PubMed 22678713; PubMed 28283832.

NM_031844.3(HNRNPU):c.1539G>A (p.Trp513Ter)

Gene: HNRNPU (heterogeneous nuclear ribonucleoprotein U; minus strand). Cytogenetic location: 1q44.
Variant type: single nucleotide variant.
Coding change: c.1539G>A on transcript NM_031844.3 (MANE Select); coding-DNA position 1539, G replaced by A.
Protein change: p.Trp513Ter; replaces tryptophan 513 with a stop codon.
Molecular consequence: nonsense.
Genome position (GRCh38, 1-based): chr1:244,857,673, C>T on the plus strand (G>A on the coding strand, the complement: HNRNPU is on the minus strand). VCF-style: chr1-244857673-C-T. GRCh37 (hg19) VCF-style: chr1-245020975-C-T.
Other names: c.1482G>A, p.Trp494Ter (NM_004501.3); short protein forms W494*, W513*.
Identifiers: ClinVar variation 2847910 (VCV002847910.3), dbSNP rs2527508309, ClinGen allele CA345490904.